The following is an entry in ClinVar:

NM_022336.4(EDAR):c.1309G>T (p.Val437Phe)

Genes: EDAR (ectodysplasin A receptor; minus strand), RANBP2 (RAN binding protein 2; plus strand). Cytogenetic location: 2q13.
Variant type: single nucleotide variant.
Coding change: c.1309G>T on transcript NM_022336.4 (MANE Select); coding-DNA position 1309, G replaced by T.
Protein change: p.Val437Phe; replaces valine 437 with phenylalanine.
Molecular consequence: missense variant.
Genome position (GRCh38, 1-based): chr2:108,896,945, C>A on the plus strand (G>T on the coding strand, the complement: EDAR is on the minus strand). VCF-style: chr2-108896945-C-A. GRCh37 (hg19) VCF-style: chr2-109513401-C-A.
Other names: short protein forms V437F.
Identifiers: ClinVar variation 2346296 (VCV002346296.3), dbSNP rs144996915, ClinGen allele CA1824786.
Genomic context (GRCh38, chr2:108,896,945, plus strand): 5'-GGACAGCCCACAGGCATGCTTTTCAGGATGCAGCATGTGGCTGGGAGGCAGGTGGCACAA[C>A]CCCCGCCCACTCCAGTATGTCTGCACACAAGGACTCCACAGCATCCAGCCGCTCAATCTG-3'
Protein context (NP_071731.1, residues 427-447): LCADILEWAG[Val437Phe]VPPASQPHAA

ClinVar aggregate classification (germline): Uncertain significance. Review status: criteria provided, multiple submitters, no conflicts (2 of 4 stars). 2 submissions from 2 submitters: Uncertain significance (2). Last evaluated 2025-08-29.

Conditions:
Autosomal recessive hypohidrotic ectodermal dysplasia syndrome. Also called: Autosomal recessive hypohidrotic ectodermal dysplasia. Identifiers: Orphanet 248, MedGen C0406702, MONDO:0016619.
Ectodermal dysplasia 10A, hypohidrotic/hair/nail type, autosomal dominant (ECTD10A). Also called: Ectodermal Dysplasia 3, Anhidrotic. Identifiers: Orphanet 1810, Orphanet 238468, MedGen C3888065, MONDO:0007509, OMIM 129490.
Inborn genetic diseases. Identifiers: MedGen C0950123, MeSH D030342.

Allele frequency attached by ClinVar (database versions not stated): ExAC 0.00009; TOPMed 0.00025.
gnomAD v4.1: 39 of 1,612,930 alleles (0.0024%); highest among the groups gnomAD compares: African/African-American, 0.045%; no homozygotes.

Submissions (2):

Labcorp Genetics (formerly Invitae), Labcorp
Classification: Uncertain significance for Ectodermal dysplasia 10A, hypohidrotic/hair/nail type, autosomal dominant; Autosomal recessive hypohidrotic ectodermal dysplasia syndrome. Last evaluated: 2025-08-29. Review status: criteria provided, single submitter. Criteria: Invitae Variant Classification Sherloc (09022015). Collection method: clinical testing. Allele origin: germline.
Comment: This sequence change replaces valine, which is neutral and non-polar, with phenylalanine, which is neutral and non-polar, at codon 437 of the EDAR protein (p.Val437Phe). This variant is present in population databases (rs144996915, gnomAD 0.05%). This variant has not been reported in the literature in individuals affected with EDAR-related conditions. ClinVar contains an entry for this variant (Variation ID: 2346296). Invitae Evidence Modeling of protein sequence and biophysical properties (such as structural, functional, and spatial information, amino acid conservation, physicochemical variation, residue mobility, and thermodynamic stability) indicates that this missense variant is not expected to disrupt EDAR protein function with a negative predictive value of 80%. In summary, the available evidence is currently insufficient to determine the role of this variant in disease. Therefore, it has been classified as a Variant of Uncertain Significance.

Ambry Genetics
Classification: Uncertain significance for Inborn genetic diseases. Last evaluated: 2022-07-13. Review status: criteria provided, single submitter. Criteria: Ambry Variant Classification Scheme 2023. Collection method: clinical testing. Allele origin: germline.